The following is an entry in ClinVar:

NM_020702.5(MYORG):c.413C>T (p.Ala138Val)

Gene: MYORG (myogenesis regulating glycosidase; minus strand). Cytogenetic location: 9p13.3.
Variant type: single nucleotide variant.
Coding change: c.413C>T on transcript NM_020702.5 (MANE Select); coding-DNA position 413, C replaced by T.
Protein change: p.Ala138Val; replaces alanine 138 with valine.
Molecular consequence: missense variant.
Genome position (GRCh38, 1-based): chr9:34,372,531, G>A on the plus strand (C>T on the coding strand, the complement: MYORG is on the minus strand). VCF-style: chr9-34372531-G-A. GRCh37 (hg19) VCF-style: chr9-34372529-G-A.
Other names: short protein forms A138V.
Identifiers: ClinVar variation 1681319 (VCV001681319.8), dbSNP rs933181820, ClinGen allele CA373246474.
Genomic context (GRCh38, chr9:34,372,531, plus strand): 5'-CACATGACCGTGTCCTTGGGCCGCACAGTCTGGATGAAGAAGTGCAGCGGCAGCCCGTCG[G>A]CCGTGAGCGAGCAGCCCAGCAGGGCGCCATCGCGGCTGCAGGAGTCAAGGTCCAGCGCGC-3'
Protein context (NP_065753.2, residues 128-148): DGALLGCSLT[Ala138Val]DGLPLHFFIQ

ClinVar aggregate classification (germline): Uncertain significance (1 of 4 stars; one submission).

Submission:

Labcorp Genetics (formerly Invitae), Labcorp
Classification: Uncertain significance. Last evaluated: 2021-12-02. Review status: criteria provided, single submitter. Criteria: Invitae Variant Classification Sherloc (09022015). Collection method: clinical testing. Allele origin: germline.
Comment: This sequence change replaces alanine, which is neutral and non-polar, with valine, which is neutral and non-polar, at codon 138 of the KIAA1161 protein (p.Ala138Val). This variant is not present in population databases (gnomAD no frequency). This variant has not been reported in the literature in individuals affected with KIAA1161-related conditions. Algorithms developed to predict the effect of missense changes on protein structure and function are either unavailable or do not agree on the potential impact of this missense change (SIFT: "Tolerated"; PolyPhen-2: "Not Available"; Align-GVGD: "Class C0"). In summary, the available evidence is currently insufficient to determine the role of this variant in disease. Therefore, it has been classified as a Variant of Uncertain Significance.